The following is an entry in ClinVar:

NM_004055.5(CAPN5):c.893C>T (p.Thr298Ile)

Gene: CAPN5 (calpain 5; plus strand). Cytogenetic location: 11q13.5.
Variant type: single nucleotide variant.
Coding change: c.893C>T on transcript NM_004055.5 (MANE Select); coding-DNA position 893, C replaced by T.
Protein change: p.Thr298Ile; replaces threonine 298 with isoleucine.
Molecular consequence: missense variant.
Genome position (GRCh38, 1-based): chr11:77,115,588, C>T. VCF-style: chr11-77115588-C-T. GRCh37 (hg19) VCF-style: chr11-76826634-C-T.
Other names: short protein forms T298I.
Identifiers: ClinVar variation 960290 (VCV000960290.10), dbSNP rs566712391, ClinGen allele CA6196579.
Genomic context (GRCh38, chr11:77,115,588, plus strand): 5'-ACATGATCCGCCTGCGCAACCCCTGGGGCGAGCGGGAGTGGAACGGGCCCTGGAGTGACA[C>T]GTGAGGCCTGGGGATGGGGGTGCAGGCACAGGGCATGAGGGCTTGGACAAGGACGGGTGG-3'
Protein context (NP_004046.2, residues 288-308): EREWNGPWSD[Thr298Ile]SEEWQKVSKS

ClinVar aggregate classification (germline): Uncertain significance (1 of 4 stars; one submission).

Allele frequency attached by ClinVar (database versions not stated): gnomAD 0.00002 and 0.00003; gnomAD exomes 0.00002 and 0.00004; TOPMed 0.00003; ExAC 0.00004; 1000 Genomes Project 0.00020; 1000 Genomes Project 30x 0.00031.
gnomAD v4.1: 39 of 1,605,216 alleles (0.0024%); highest among the groups gnomAD compares: East Asian, 0.045%; no homozygotes.

Submission:

Labcorp Genetics (formerly Invitae), Labcorp
Classification: Uncertain significance. Last evaluated: 2022-10-18. Review status: criteria provided, single submitter. Criteria: Invitae Variant Classification Sherloc (09022015). Collection method: clinical testing. Allele origin: germline.
Comment: This sequence change replaces threonine, which is neutral and polar, with isoleucine, which is neutral and non-polar, at codon 298 of the CAPN5 protein (p.Thr298Ile). This variant is present in population databases (rs566712391, gnomAD 0.02%). This missense change has been observed in individual(s) with early-onset high myopia (PMID: 29453956). ClinVar contains an entry for this variant (Variation ID: 960290). Algorithms developed to predict the effect of missense changes on protein structure and function are either unavailable or do not agree on the potential impact of this missense change (SIFT: "Deleterious"; PolyPhen-2: "Possibly Damaging"; Align-GVGD: "Class C0"). In summary, the available evidence is currently insufficient to determine the role of this variant in disease. Therefore, it has been classified as a Variant of Uncertain Significance.

Literature cited by the submitters: PubMed 29453956.